The following is an entry in ClinVar:

NM_002181.4(IHH):c.486G>T (p.Lys162Asn)

Gene: IHH (Indian hedgehog signaling molecule; minus strand). Cytogenetic location: 2q35.
Variant type: single nucleotide variant.
Coding change: c.486G>T on transcript NM_002181.4 (MANE Select); coding-DNA position 486, G replaced by T.
Protein change: p.Lys162Asn; replaces lysine 162 with asparagine.
Molecular consequence: missense variant.
Genome position (GRCh38, 1-based): chr2:219,057,524, C>A on the plus strand (G>T on the coding strand, the complement: IHH is on the minus strand). VCF-style: chr2-219057524-C-A. GRCh37 (hg19) VCF-style: chr2-219922246-C-A.
Other names: short protein forms K162N.
Identifiers: ClinVar variation 4737758 (VCV004737758.1).

ClinVar aggregate classification (germline): Uncertain significance (1 of 4 stars; one submission).

Submission:

Labcorp Genetics (formerly Invitae), Labcorp
Classification: Uncertain significance. Last evaluated: 2025-07-16. Review status: criteria provided, single submitter. Criteria: Invitae Variant Classification Sherloc (09022015). Collection method: clinical testing. Allele origin: germline.
Comment: This sequence change replaces lysine, which is basic and polar, with asparagine, which is neutral and polar, at codon 162 of the IHH protein (p.Lys162Asn). This variant is present in population databases (no rsID available, gnomAD 0.0009%). This variant has not been reported in the literature in individuals affected with IHH-related conditions. Invitae Evidence Modeling of protein sequence and biophysical properties (such as structural, functional, and spatial information, amino acid conservation, physicochemical variation, residue mobility, and thermodynamic stability) indicates that this missense variant is expected to disrupt IHH protein function with a positive predictive value of 80%. In summary, the available evidence is currently insufficient to determine the role of this variant in disease. Therefore, it has been classified as a Variant of Uncertain Significance.